The following is an entry in ClinVar:

ClinVar aggregate classification (germline): Benign/Likely benign. Review status: criteria provided, multiple submitters, no conflicts (2 of 4 stars). 3 submissions from 3 submitters: Benign (1); Likely benign (2). Last evaluated 2025-06-03.

Conditions:
Hereditary diffuse gastric adenocarcinoma (HDGC). Also called: DIFFUSE GASTRIC AND LOBULAR BREAST CANCER SYNDROME. Identifiers: Orphanet 26106, MedGen C1708349, MONDO:0007648, OMIM 137215.
Hereditary cancer-predisposing syndrome. Also called: Tumor predisposition; Hereditary neoplastic syndrome; Neoplastic Syndromes, Hereditary; Hereditary Cancer Syndrome. Identifiers: Orphanet 140162, MedGen C0027672, MeSH D009386, MONDO:0015356.

Allele frequency attached by ClinVar (database versions not stated): gnomAD exomes below 0.00001; ExAC 0.00001; gnomAD 0.00001; TOPMed 0.00002; 1000 Genomes Project 0.00020; 1000 Genomes Project 30x 0.00031.
gnomAD v4.1: 2 of 1,613,772 alleles (0.00012%); highest among the groups gnomAD compares: African/African-American, 0.0027%; no homozygotes.

Submissions (3):

Labcorp Genetics (formerly Invitae), Labcorp
Classification: Likely benign. Last evaluated: 2025-06-03. Review status: criteria provided, single submitter. Criteria: Invitae Variant Classification Sherloc (09022015). Collection method: clinical testing. Allele origin: germline.

Myriad Genetics, Inc.
Classification: Benign for Hereditary diffuse gastric adenocarcinoma. Last evaluated: 2024-10-15. Review status: criteria provided, single submitter. Criteria: Myriad Autosomal Dominant, Autosomal Recessive and X-Linked Classification Criteria (2023). Collection method: clinical testing. Allele origin: unknown.
Comment: This variant is considered benign. This variant is a silent/synonymous amino acid change and it is not expected to impact splicing.

Ambry Genetics
Classification: Likely benign for Hereditary cancer-predisposing syndrome. Last evaluated: 2020-12-14. Review status: criteria provided, single submitter. Criteria: Ambry Variant Classification Scheme 2023. Collection method: clinical testing. Allele origin: germline.

NM_001903.5(CTNNA1):c.2454G>A (p.Leu818=)

Gene: CTNNA1 (catenin alpha 1; plus strand). Cytogenetic location: 5q31.2.
Variant type: single nucleotide variant.
Coding change: c.2454G>A on transcript NM_001903.5 (MANE Select); coding-DNA position 2454, G replaced by A.
Protein change: p.Leu818=; no amino-acid change (leucine 818 retained).
Molecular consequence: synonymous variant. On other transcripts: intron variant (1).
Genome position (GRCh38, 1-based): chr5:138,933,822, G>A. VCF-style: chr5-138933822-G-A. GRCh37 (hg19) VCF-style: chr5-138269511-G-A.
Other names: c.2525G>A, p.Ter842= (NM_001290307.3); c.2145G>A, p.Leu715= (NM_001290309.3); c.2085G>A, p.Leu695= (NM_001290310.3); c.1344G>A, p.Leu448= (NM_001290312.1, NM_001323987.1, NM_001323988.1 and 12 more transcripts); c.2454G>A, p.Leu818= (NM_001323982.2, NM_001323983.1, NM_001323984.2); c.2361G>A, p.Leu787= (NM_001323986.2); c.1209G>A, p.Leu403= (NM_001324001.1); c.1415G>A, p.Ter472= (NM_001324002.1, NM_001324003.1, NM_001324004.1 and 1 more transcripts); and 4 more.
Identifiers: ClinVar variation 706132 (VCV000706132.14), dbSNP rs563523226, ClinGen allele CA3432247.